The following is an entry in ClinVar:

NM_000078.3(CETP):c.1162G>A (p.Val388Ile)

Gene: CETP (cholesteryl ester transfer protein; plus strand). Cytogenetic location: 16q13.
Variant type: single nucleotide variant.
Coding change: c.1162G>A on transcript NM_000078.3 (MANE Select); coding-DNA position 1162, G replaced by A.
Protein change: p.Val388Ile; replaces valine 388 with isoleucine.
Molecular consequence: missense variant.
Genome position (GRCh38, 1-based): chr16:56,981,173, G>A. VCF-style: chr16-56981173-G-A. GRCh37 (hg19) VCF-style: chr16-57015085-G-A.
Other names: c.982G>A, p.Val328Ile (NM_001286085.2); short protein forms V388I, V328I.
Identifiers: ClinVar variation 2173132 (VCV002173132.4), dbSNP rs147412224, ClinGen allele CA8071257.

ClinVar aggregate classification (germline): Uncertain significance (1 of 4 stars; one submission).

Allele frequency attached by ClinVar (database versions not stated): gnomAD 0.00003; TOPMed 0.00003; gnomAD exomes 0.00008; ExAC 0.00009; ESP Exome Variant Server 0.00015.
gnomAD v4.1: 118 of 1,613,442 alleles (0.0073%); highest among the groups gnomAD compares: Non-Finnish European, 0.0092%; no homozygotes.

Submission:

Labcorp Genetics (formerly Invitae), Labcorp
Classification: Uncertain significance. Last evaluated: 2024-11-05. Review status: criteria provided, single submitter. Criteria: Invitae Variant Classification Sherloc (09022015). Collection method: clinical testing. Allele origin: germline.
Comment: This sequence change replaces valine, which is neutral and non-polar, with isoleucine, which is neutral and non-polar, at codon 388 of the CETP protein (p.Val388Ile). This variant is present in population databases (rs147412224, gnomAD 0.01%). This variant has not been reported in the literature in individuals affected with CETP-related conditions. ClinVar contains an entry for this variant (Variation ID: 2173132). Invitae Evidence Modeling of protein sequence and biophysical properties (such as structural, functional, and spatial information, amino acid conservation, physicochemical variation, residue mobility, and thermodynamic stability) indicates that this missense variant is not expected to disrupt CETP protein function with a negative predictive value of 80%. In summary, the available evidence is currently insufficient to determine the role of this variant in disease. Therefore, it has been classified as a Variant of Uncertain Significance.